The following is an entry in ClinVar:

NM_000493.4(COL10A1):c.506C>A (p.Pro169His)

Genes: COL10A1 (collagen type X alpha 1 chain; minus strand), NT5DC1 (5'-nucleotidase domain containing 1; plus strand). Cytogenetic location: 6q22.1.
Variant type: single nucleotide variant.
Coding change: c.506C>A on transcript NM_000493.4 (MANE Select); coding-DNA position 506, C replaced by A.
Protein change: p.Pro169His; replaces proline 169 with histidine.
Molecular consequence: missense variant. On other transcripts: intron variant (1).
Genome position (GRCh38, 1-based): chr6:116,121,610, G>T on the plus strand (C>A on the coding strand, the complement: COL10A1 is on the minus strand). VCF-style: chr6-116121610-G-T. GRCh37 (hg19) VCF-style: chr6-116442773-G-T.
Other names: c.506C>A, p.Pro169His (NM_001424106.1, NM_001424107.1); c.529+3665G>T (NM_152729.3); short protein forms P169H.
Identifiers: ClinVar variation 1329847 (VCV001329847.2), dbSNP rs2114290452, ClinGen allele CA365395209.
Genomic context (GRCh38, chr6:116,121,610, plus strand): 5'-CCTTTCTGTCCATTCATACCAGGGACTCCTGGTGCACCCTTTTCTCCAGGAAAGCCCCTG[G>T]GTCCTGGGGCTCCTGTGGGTCCCTGTTGTCCAGGTTTTCCTGGCACAGAAATTCCAGCCG-3'
Protein context (NP_000484.2, residues 159-179): GQQGPTGAPG[Pro169His]RGFPGEKGAP

ClinVar aggregate classification (germline): Uncertain significance (1 of 4 stars; one submission).

Submission:

GeneDx
Classification: Uncertain significance. Last evaluated: 2021-06-21. Review status: criteria provided, single submitter. Criteria: GeneDx Variant Classification Process June 2021. Collection method: clinical testing. Allele origin: germline. Affected: yes.
Comment: Not observed at significant frequency in large population cohorts (Lek et al., 2016); In silico analysis supports that this variant does not alter splicing; Has not been previously published as pathogenic or benign to our knowledge; This variant is associated with the following publications: (PMID: 27535533)